The following is an entry in ClinVar:

NM_001374736.1(DST):c.20542G>A (p.Glu6848Lys)

Gene: DST (dystonin; minus strand). Cytogenetic location: 6p12.1.
Variant type: single nucleotide variant.
Coding change: c.20542G>A on transcript NM_001374736.1 (MANE Select); coding-DNA position 20542, G replaced by A.
Protein change: p.Glu6848Lys; replaces glutamic acid 6848 with lysine.
Molecular consequence: missense variant.
Genome position (GRCh38, 1-based): chr6:56,492,942, C>T on the plus strand (G>A on the coding strand, the complement: DST is on the minus strand). VCF-style: chr6-56492942-C-T. GRCh37 (hg19) VCF-style: chr6-56357740-C-T.
Other names: p.Glu4225Lys; c.14185G>A, p.Glu4729Lys (NM_001144769.5); c.13771G>A, p.Glu4591Lys (NM_001144770.2); c.20542G>A, p.Glu6848Lys (NM_001374722.1); c.19582G>A, p.Glu6528Lys (NM_001374729.1); c.13324G>A, p.Glu4442Lys (NM_001374730.1); c.20569G>A, p.Glu6857Lys (NM_001374734.1); c.12673G>A, p.Glu4225Lys (NM_015548.5); and 1 more; short protein forms E4591K, E6857K, E6528K, E4551K, E4225K, E4442K, E4729K, E6848K.
Identifiers: ClinVar variation 969690 (VCV000969690.11), dbSNP rs201305293, ClinGen allele CA3866729.

ClinVar aggregate classification (germline): Uncertain significance. Review status: criteria provided, multiple submitters, no conflicts (2 of 4 stars). 6 submissions from 6 submitters: Uncertain significance (6). Last evaluated 2026-03-10.

Conditions:
DST-related disorder. Also called: DST-related condition; DST-related disorders.
Inborn genetic diseases. Identifiers: MedGen C0950123, MeSH D030342.
Epidermolysis bullosa simplex 3, localized or generalized intermediate, with BP230 deficiency (EBS3). Also called: Epidermolysis bullosa simplex, autosomal recessive 2; Epidermolysis bullosa simplex due to BP230 deficiency. Identifiers: Orphanet 412181, MedGen C3809470, MONDO:0014180, OMIM 615425.
Hereditary sensory and autonomic neuropathy type 6. Also called: HSAN VI; Neuropathy, hereditary sensory and autonomic, type VI. Identifiers: Orphanet 314381, MedGen C3539003, MONDO:0013839, OMIM 614653.

Allele frequency attached by ClinVar (database versions not stated): ExAC 0.00009; gnomAD exomes 0.00011 and 0.00036; 1000 Genomes Project 30x 0.00016; 1000 Genomes Project 0.00020; gnomAD 0.00022 and 0.00024; TOPMed 0.00022; ESP Exome Variant Server 0.00033.
gnomAD v4.1: 568 of 1,601,970 alleles (0.035%); highest among the groups gnomAD compares: Non-Finnish European, 0.044%; no homozygotes.

Submissions (6):

PreventionGenetics, part of Exact Sciences
Classification: Uncertain significance for DST-related condition. Last evaluated: 2026-03-10. Review status: criteria provided, single submitter. Criteria: ACMG Guidelines, 2015. Collection method: clinical testing. Allele origin: germline.
Comment: The DST c.14185G>A variant is predicted to result in the amino acid substitution p.Glu4729Lys. To our knowledge, this variant has not been reported in the literature. This variant is reported in 0.021% of alleles in individuals of African descent in gnomAD. At this time, the clinical significance of this variant is uncertain due to the absence of conclusive functional and genetic evidence.

GeneDx
Classification: Uncertain significance. Last evaluated: 2024-07-14. Review status: criteria provided, single submitter. Criteria: GeneDx Variant Classification Process June 2021. Collection method: clinical testing. Allele origin: germline. Affected: yes.
Comment: In silico analysis supports that this missense variant has a deleterious effect on protein structure/function.; Reported using an alternate transcript (non-epithelial isoform) of the gene.; Has not been previously published as pathogenic or benign to our knowledge

Ambry Genetics
Classification: Uncertain significance for Inborn genetic diseases. Last evaluated: 2023-04-28. Review status: criteria provided, single submitter. Criteria: Ambry Variant Classification Scheme 2023. Collection method: clinical testing. Allele origin: germline.

Baylor Genetics
Classification: Uncertain significance for Epidermolysis bullosa simplex 3, localized or generalized intermediate, with BP230 deficiency. Last evaluated: 2023-03-06. Review status: criteria provided, single submitter. Criteria: ACMG Guidelines, 2015. Collection method: clinical testing. Allele origin: unknown.

Labcorp Genetics (formerly Invitae), Labcorp
Classification: Uncertain significance for Epidermolysis bullosa simplex 3, localized or generalized intermediate, with BP230 deficiency; Hereditary sensory and autonomic neuropathy type 6. Last evaluated: 2022-11-01. Review status: criteria provided, single submitter. Criteria: Invitae Variant Classification Sherloc (09022015). Collection method: clinical testing. Allele origin: germline.
Comment: The DST gene has multiple clinically relevant transcripts. This variant occurs in alternate transcript NM_015548.4, and corresponds to NM_001723.5:c.*122575G>A in the primary transcript. This sequence change replaces glutamic acid, which is acidic and polar, with lysine, which is basic and polar, at codon 4225 of the DST protein (p.Glu4225Lys). This variant is present in population databases (rs201305293, gnomAD 0.02%). This variant has not been reported in the literature in individuals affected with DST-related conditions. ClinVar contains an entry for this variant (Variation ID: 969690). Experimental studies and prediction algorithms are not available or were not evaluated, and the functional significance of this variant is currently unknown. In summary, the available evidence is currently insufficient to determine the role of this variant in disease. Therefore, it has been classified as a Variant of Uncertain Significance.

Mayo Clinic Laboratories, Mayo Clinic
Classification: Uncertain significance. Last evaluated: 2022-10-04. Review status: criteria provided, single submitter. Criteria: ACMG Guidelines, 2015. Collection method: clinical testing. Allele origin: germline. Observed: 2 variant alleles.